The following is an entry in ClinVar:

ClinVar aggregate classification (germline): Uncertain significance (1 of 4 stars; one submission).

Conditions:
Breast-ovarian cancer, familial, susceptibility to, 4. Identifiers: Orphanet 145, MedGen C3280345, MONDO:0013669, OMIM 614291.

Submission:

Labcorp Genetics (formerly Invitae), Labcorp
Classification: Uncertain significance for Breast-ovarian cancer, familial, susceptibility to, 4. Last evaluated: 2020-09-03. Review status: criteria provided, single submitter. Criteria: Invitae Variant Classification Sherloc (09022015). Collection method: clinical testing. Allele origin: germline.
Comment: In summary, the available evidence is currently insufficient to determine the role of this variant in disease. Therefore, it has been classified as a Variant of Uncertain Significance. Algorithms developed to predict the effect of missense changes on protein structure and function are either unavailable or do not agree on the potential impact of this missense change (SIFT: "Deleterious"; PolyPhen-2: "Probably Damaging"; Align-GVGD: "Class C0"). This variant has not been reported in the literature in individuals with RAD51D-related conditions. This variant is not present in population databases (ExAC no frequency). This sequence change replaces lysine with asparagine at codon 201 of the RAD51D protein (p.Lys201Asn). The lysine residue is moderately conserved and there is a moderate physicochemical difference between lysine and asparagine.

NM_002878.4(RAD51D):c.603G>T (p.Lys201Asn)

Genes: RAD51D (RAD51 paralog D; minus strand), RAD51L3-RFFL (RAD51L3-RFFL readthrough; minus strand). Cytogenetic location: 17q12.
Variant type: single nucleotide variant.
Coding change: c.603G>T on transcript NM_002878.4 (MANE Select); coding-DNA position 603, G replaced by T.
Protein change: p.Lys201Asn; replaces lysine 201 with asparagine.
Molecular consequence: missense variant. On other transcripts: non-coding transcript variant (3).
Genome position (GRCh38, 1-based): chr17:35,103,518, C>A on the plus strand (G>T on the coding strand, the complement: RAD51D is on the minus strand). VCF-style: chr17-35103518-C-A. GRCh37 (hg19) VCF-style: chr17-33430537-C-A.
Other names: c.663G>T, p.Lys221Asn (NM_001142571.2); c.267G>T, p.Lys89Asn (NM_133629.3); short protein forms K221N, K201N, K89N.
Identifiers: ClinVar variation 1042785 (VCV001042785.5), dbSNP rs2091565129, ClinGen allele CA399087947.